The following is an entry in ClinVar:

NM_000393.5(COL5A2):c.2032-3T>C

Gene: COL5A2 (collagen type V alpha 2 chain; minus strand). Cytogenetic location: 2q32.2.
Variant type: single nucleotide variant.
Coding change: c.2032-3T>C on transcript NM_000393.5 (MANE Select); 3 bases into the intron before coding-DNA position 2032, T replaced by C.
Molecular consequence: intron variant.
Genome position (GRCh38, 1-based): chr2:189,060,786, A>G on the plus strand (T>C on the coding strand, the complement: COL5A2 is on the minus strand). VCF-style: chr2-189060786-A-G. GRCh37 (hg19) VCF-style: chr2-189925512-A-G.
Identifiers: ClinVar variation 2114725 (VCV002114725.4), dbSNP rs1199275638, ClinGen allele CA2577186524.

ClinVar aggregate classification (germline): Uncertain significance (1 of 4 stars; one submission).

Conditions:
Ehlers-Danlos syndrome, classic type, 1 (EDSCL1). Also called: EHLERS-DANLOS SYNDROME, GRAVIS TYPE; EHLERS-DANLOS SYNDROME, SEVERE CLASSIC TYPE; Ehlers-Danlos syndrome, type 1; EDS I; Ehlers-Danlos Syndrome, Classic Type, COL5A1-Related. Identifiers: MedGen C0268335, MONDO:0019567, OMIM 130000.

Submission:

Labcorp Genetics (formerly Invitae), Labcorp
Classification: Uncertain significance for Ehlers-Danlos syndrome, classic type, 1. Last evaluated: 2022-03-19. Review status: criteria provided, single submitter. Criteria: Invitae Variant Classification Sherloc (09022015). Collection method: clinical testing. Allele origin: germline.
Comment: In summary, the available evidence is currently insufficient to determine the role of this variant in disease. Therefore, it has been classified as a Variant of Uncertain Significance. Variants that disrupt the consensus splice site are a relatively common cause of aberrant splicing (PMID: 17576681, 9536098). Algorithms developed to predict the effect of sequence changes on RNA splicing suggest that this variant is not likely to affect RNA splicing. This variant has not been reported in the literature in individuals affected with COL5A2-related conditions. This variant is not present in population databases (gnomAD no frequency). This sequence change falls in intron 30 of the COL5A2 gene. It does not directly change the encoded amino acid sequence of the COL5A2 protein. It affects a nucleotide within the consensus splice site.

Literature cited by the submitters: PubMed 17576681; PubMed 9536098.